The following is an entry in ClinVar:

NM_000077.5(CDKN2A):c.128_141dup (p.Pro48fs)

Gene: CDKN2A (cyclin dependent kinase inhibitor 2A; minus strand). Cytogenetic location: 9p21.3.
Variant type: Duplication.
Coding change: c.128_141dup on transcript NM_000077.5; coding-DNA positions 128 to 141, 14 bases duplicated (GTTACGGTCGGAGG).
Protein change: p.Pro48fs; shifts the reading frame from proline 48.
Molecular consequence: frameshift variant (on NM_000077.6). On other transcripts: intron variant (2).
Genome position (GRCh38, 1-based): chr9:21,974,687-21,974,700, CCTCCGACCGTAAC duplicated on the plus strand (GTTACGGTCGGAGG on the coding strand, the reverse complement: CDKN2A is on the minus strand). VCF-style (leftmost placement, unchanged base first): chr9-21974686-G-GCCTCCGACCGTAAC. GRCh37 (hg19) VCF-style: chr9-21974685-G-GCCTCCGACCGTAAC.
Other names: c.128_141dup, p.Pro48Valfs (NM_000077.6); c.128_141dup, p.Pro48fs (NM_001195132.2, NM_058197.5); c.-3-3492_-3-3479dup (NM_001363763.2); c.194-3492_194-3479dup (NM_058195.4); short protein forms P48fs.
Identifiers: ClinVar variation 4077026 (VCV004077026.1).

ClinVar aggregate classification (germline): Pathogenic (1 of 4 stars; one submission).

Conditions:
Melanoma-pancreatic cancer syndrome. Identifiers: Orphanet 404560, MedGen C1838547, MONDO:0011713, OMIM 606719. Disease mechanism: loss of function.

Submission:

GeneKor MSA
Classification: Pathogenic for Melanoma-pancreatic cancer syndrome. Last evaluated: 2025-05-15. Review status: criteria provided, single submitter. Criteria: ACMG Guidelines, 2015. Collection method: clinical testing. Allele origin: germline. Affected: yes.
Comment: This sequence change duplicates 14 bases in exon 1 of the CDKN2A mRNA (c.128_141dup), causing a frameshift after codon 48. This creates a premature translational stop signal 5 amino acid residues later p.(Met48Trpfs*5) and is expected to result in an absent or disrupted protein product. This variant has not been described in mutation database ClinVar and the international bibliography. Based on the classification criteria set by the ACMG and AMP (PMID:25741868) this variant has been classified as pathogenic.